The following is an entry in ClinVar:

ClinVar aggregate classification (germline): Uncertain significance. Review status: criteria provided, multiple submitters, no conflicts (2 of 4 stars). 3 submissions from 3 submitters: Uncertain significance (3). Last evaluated 2023-07-03.

Conditions:
Ataxia-telangiectasia syndrome (AT). Also called: Ataxia-telangiectasia; LOUIS-BAR SYNDROME; Ataxia-telangiectasia, complementation group D; AT, COMPLEMENTATION GROUP C; ATAXIA-TELANGIECTASIA, COMPLEMENTATION GROUP A; ATAXIA-TELANGIECTASIA, FRESNO VARIANT. Identifiers: Orphanet 100, MedGen C0004135, MONDO:0008840, OMIM 208900.
Hereditary cancer-predisposing syndrome. Also called: Tumor predisposition; Neoplastic Syndromes, Hereditary; Hereditary Cancer Syndrome; Hereditary neoplastic syndrome. Identifiers: Orphanet 140162, MedGen C0027672, MeSH D009386, MONDO:0015356.

Submissions (3):

Ambry Genetics
Classification: Uncertain significance for Hereditary cancer-predisposing syndrome. Last evaluated: 2023-07-03. Review status: criteria provided, single submitter. Criteria: Ambry Variant Classification Scheme 2023. Collection method: clinical testing. Allele origin: germline.
Comment: The p.Q2399E variant (also known as c.7195C>G), located in coding exon 48 of the ATM gene, results from a C to G substitution at nucleotide position 7195. The glutamine at codon 2399 is replaced by glutamic acid, an amino acid with highly similar properties. This amino acid position is conserved. In addition, this alteration is predicted to be deleterious by in silico analysis. Since supporting evidence is limited at this time, the clinical significance of this alteration remains unclear.

Labcorp Genetics (formerly Invitae), Labcorp
Classification: Uncertain significance for Ataxia-telangiectasia syndrome. Last evaluated: 2021-01-31. Review status: criteria provided, single submitter. Criteria: Invitae Variant Classification Sherloc (09022015). Collection method: clinical testing. Allele origin: germline.
Comment: This sequence change replaces glutamine with glutamic acid at codon 2399 of the ATM protein (p.Gln2399Glu). The glutamine residue is highly conserved and there is a small physicochemical difference between glutamine and glutamic acid. This variant is not present in population databases (ExAC no frequency). In summary, the available evidence is currently insufficient to determine the role of this variant in disease. Therefore, it has been classified as a Variant of Uncertain Significance. Algorithms developed to predict the effect of missense changes on protein structure and function (SIFT, PolyPhen-2, Align-GVGD) all suggest that this variant is likely to be disruptive, but these predictions have not been confirmed by published functional studies and their clinical significance is uncertain. This variant has not been reported in the literature in individuals with ATM-related conditions.

Genetic Services Laboratory, University of Chicago
Classification: Uncertain significance. Last evaluated: 2020-04-28. Review status: criteria provided, single submitter. Criteria: ACMG Guidelines, 2015. Collection method: clinical testing. Allele origin: germline. Affected: no.
Comment: DNA sequence analysis of the ATM gene demonstrated a sequence change, c.7195C>G, in exon 49 that results in an amino acid change, p.Gln2399Glu. This sequence change does not appear to have been previously described in patients with ATM-related disorders. This sequence change is a novel sequence change that has not been described in the population databases (ExAC and gnomAD). The p.Gln2399Glu change affects a highly conserved amino acid residue located in a domain of the ATM protein that is known to be functional. The p.Gln2399Glu substitution appears to be deleterious using several in-silico pathogenicity prediction tools (SIFT, PolyPhen2, Align GVGD, REVEL). Due to these evidences and the lack of functional studies, the clinical significance of the p.Gln2399Glu change remains unknown at this time.

NM_000051.4(ATM):c.7195C>G (p.Gln2399Glu)

Genes: ATM (ATM serine/threonine kinase; plus strand), C11orf65 (chromosome 11 open reading frame 65; minus strand). Cytogenetic location: 11q22.3.
Variant type: single nucleotide variant.
Coding change: c.7195C>G on transcript NM_000051.4 (MANE Select); coding-DNA position 7195, C replaced by G.
Protein change: p.Gln2399Glu; replaces glutamine 2399 with glutamic acid.
Molecular consequence: missense variant. On other transcripts: intron variant (2).
Genome position (GRCh38, 1-based): chr11:108,329,126, C>G. VCF-style: chr11-108329126-C-G. GRCh37 (hg19) VCF-style: chr11-108199853-C-G.
Other names: c.7195C>G, p.Gln2399Glu (NM_001351834.2); c.641-20055G>C (NM_001330368.2); c.*38+6094G>C (NM_001351110.2); short protein forms Q2399E.
Identifiers: ClinVar variation 1337619 (VCV001337619.12), dbSNP rs2085985186, ClinGen allele CA382559603.